The following is an entry in ClinVar:

NM_006767.4(LZTR1):c.2158T>G (p.Phe720Val)

Gene: LZTR1 (leucine zipper like post translational regulator 1; plus strand). Cytogenetic location: 22q11.21.
Variant type: single nucleotide variant.
Coding change: c.2158T>G on transcript NM_006767.4 (MANE Select); coding-DNA position 2158, T replaced by G.
Protein change: p.Phe720Val; replaces phenylalanine 720 with valine.
Molecular consequence: missense variant.
Genome position (GRCh38, 1-based): chr22:20,996,051, T>G. VCF-style: chr22-20996051-T-G. GRCh37 (hg19) VCF-style: chr22-21350340-T-G.
Other names: short protein forms F720V.
Identifiers: ClinVar variation 1786845 (VCV001786845.10), dbSNP rs1444173399, ClinGen allele CA410779674.

ClinVar aggregate classification (germline): Uncertain significance. Review status: criteria provided, multiple submitters, no conflicts (2 of 4 stars). 3 submissions from 3 submitters: Uncertain significance (3). Last evaluated 2025-12-16.

Conditions:
Cardiovascular phenotype. Identifiers: MedGen CN230736.
Hereditary cancer-predisposing syndrome. Also called: Neoplastic Syndromes, Hereditary; Tumor predisposition; Hereditary Cancer Syndrome; Hereditary neoplastic syndrome. Identifiers: Orphanet 140162, MedGen C0027672, MeSH D009386, MONDO:0015356.

Allele frequency attached by ClinVar (database versions not stated): gnomAD exomes below 0.00001; TOPMed 0.00002.
gnomAD v4.1: 1 of 1,613,492 alleles (0.000062%); highest among the groups gnomAD compares: African/African-American, 0.0013%; no homozygotes.

Submissions (3):

Labcorp Genetics (formerly Invitae), Labcorp
Classification: Uncertain significance. Last evaluated: 2025-12-16. Review status: criteria provided, single submitter. Criteria: Invitae Variant Classification Sherloc (09022015). Collection method: clinical testing. Allele origin: germline.
Comment: This sequence change replaces phenylalanine, which is neutral and non-polar, with valine, which is neutral and non-polar, at codon 720 of the LZTR1 protein (p.Phe720Val). This variant is present in population databases (no rsID available, gnomAD 0.007%). This variant has not been reported in the literature in individuals affected with LZTR1-related conditions. ClinVar contains an entry for this variant (Variation ID: 1786845). Invitae Evidence Modeling of protein sequence and biophysical properties (such as structural, functional, and spatial information, amino acid conservation, physicochemical variation, residue mobility, and thermodynamic stability) indicates that this missense variant is not expected to disrupt LZTR1 protein function with a negative predictive value of 80%. In summary, the available evidence is currently insufficient to determine the role of this variant in disease. Therefore, it has been classified as a Variant of Uncertain Significance.

Ambry Genetics
Classification: Uncertain significance for Cardiovascular phenotype; Hereditary cancer-predisposing syndrome. Last evaluated: 2025-04-15. Review status: criteria provided, single submitter. Criteria: Ambry Variant Classification Scheme 2023. Collection method: clinical testing. Allele origin: germline.
Comment: The p.F720V variant (also known as c.2158T>G), located in coding exon 18 of the LZTR1 gene, results from a T to G substitution at nucleotide position 2158. The phenylalanine at codon 720 is replaced by valine, an amino acid with highly similar properties. This amino acid position is highly conserved in available vertebrate species. In addition, this alteration is predicted to be deleterious by in silico analysis. Based on the available evidence, the clinical significance of this variant remains unclear.

Greenwood Genetic Center Diagnostic Laboratories, Greenwood Genetic Center
Classification: Uncertain significance. Last evaluated: 2025-01-29. Review status: criteria provided, single submitter. Criteria: ACMG Guidelines, 2015. Collection method: clinical testing. Allele origin: germline.
Comment: PM2, PP3